The following is an entry in ClinVar:

NM_001353108.3(CEP63):c.1591A>C (p.Thr531Pro)

Gene: CEP63 (centrosomal protein 63; plus strand). Cytogenetic location: 3q22.2.
Variant type: single nucleotide variant.
Coding change: c.1591A>C on transcript NM_001353108.3 (MANE Select); coding-DNA position 1591, A replaced by C.
Protein change: p.Thr531Pro; replaces threonine 531 with proline.
Molecular consequence: missense variant. On other transcripts: intron variant (17).
Genome position (GRCh38, 1-based): chr3:134,558,265, A>C. VCF-style: chr3-134558265-A-C. GRCh37 (hg19) VCF-style: chr3-134277107-A-C.
Other names: c.1453A>C, p.Thr485Pro (NM_001353109.1); c.1591A>C, p.Thr531Pro (NM_025180.5); c.1467+6253A>C (NM_001353113.1, NM_001353117.2); c.1329+6253A>C (NM_001042384.2, NM_001353124.2, NM_001353123.2); c.1330-3112A>C (NM_001353122.1, NM_001042383.2, NM_001353121.2 and 2 more transcripts); c.1468-3112A>C (NM_001353110.1, NM_001353112.2, NM_001353111.2 and 1 more transcripts); c.1357-3112A>C (NM_001353118.1); c.967-3112A>C (NM_001353126.2); and 1 more; short protein forms T531P, T485P.
Identifiers: ClinVar variation 1382027 (VCV001382027.8), dbSNP rs778475846, ClinGen allele CA2628720.
Genomic context (GRCh38, chr3:134,558,265, plus strand): 5'-TCTGAAAATCAACAACTACAGAAAGATTTGATGAATACCAAATCTCAGCTGGAGATTTCT[A>C]CTCAGATGTGCAAAAAACAAAATGACAGGATCTTTAAACCAACACACAGCAGAACAACTG-3'
Protein context (NP_001340037.1, residues 521-541): MNTKSQLEIS[Thr531Pro]QMCKKQNDRI

ClinVar aggregate classification (germline): Uncertain significance (1 of 4 stars; one submission).

Allele frequency attached by ClinVar (database versions not stated): ExAC 0.00001; gnomAD 0.00001; gnomAD exomes 0.00001 and 0.00002; TOPMed 0.00002.

Submission:

Labcorp Genetics (formerly Invitae), Labcorp
Classification: Uncertain significance. Last evaluated: 2025-11-15. Review status: criteria provided, single submitter. Criteria: Invitae Variant Classification Sherloc (09022015). Collection method: clinical testing. Allele origin: germline.
Comment: This sequence change replaces threonine, which is neutral and polar, with proline, which is neutral and non-polar, at codon 531 of the CEP63 protein (p.Thr531Pro). This variant is present in population databases (rs778475846, gnomAD 0.009%). This variant has not been reported in the literature in individuals affected with CEP63-related conditions. ClinVar contains an entry for this variant (Variation ID: 1382027). An algorithm developed to predict the effect of missense changes on protein structure and function (PolyPhen-2) suggests that this variant is likely to be tolerated. In summary, the available evidence is currently insufficient to determine the role of this variant in disease. Therefore, it has been classified as a Variant of Uncertain Significance.